The following is an entry in ClinVar:

NM_014264.5(PLK4):c.1163_1166del (p.Gln388fs)

Gene: PLK4 (polo like kinase 4; plus strand). Cytogenetic location: 4q28.1.
Variant type: Microsatellite.
Coding change: c.1163_1166del on transcript NM_014264.5 (MANE Select); coding-DNA positions 1163 to 1166, 4 bases deleted (AGTC; older notation c.1163_1166delAGTC).
Protein change: p.Gln388fs; shifts the reading frame from glutamine 388.
Molecular consequence: frameshift variant.
Genome position (GRCh38, 1-based): chr4:127,886,533-127,886,536, AGTC deleted; deleting any 4 consecutive bases within chr4:127,886,529-127,886,536 gives the same sequence; the c. name uses the placement nearest the transcript's 3' end. VCF-style (leftmost placement, unchanged base first): chr4-127886528-TAGTC-T. GRCh37 (hg19) VCF-style: chr4-128807683-TAGTC-T.
Other names: c.1067_1070del, p.Gln356fs (NM_001190799.2); c.1040_1043del, p.Gln347fs (NM_001190801.2); short protein forms Q347fs, Q356fs, Q388fs.
Identifiers: ClinVar variation 1381731 (VCV001381731.7), dbSNP rs780106984, ClinGen allele CA3076697.

ClinVar aggregate classification (germline): Pathogenic/Likely pathogenic. Review status: criteria provided, multiple submitters, no conflicts (2 of 4 stars). 2 submissions from 2 submitters: Pathogenic (1); Likely pathogenic (1). Last evaluated 2023-12-27.

Conditions:
Microcephaly and chorioretinopathy 2. Also called: Microcephaly and chorioretinopathy, autosomal recessive, 2. Identifiers: Orphanet 808, MedGen C4015388, MONDO:0014516, OMIM 616171.

Submissions (2):

Revvity Omics, Revvity
Classification: Likely pathogenic for Microcephaly and chorioretinopathy 2. Last evaluated: 2023-12-27. Review status: criteria provided, single submitter. Criteria: ACMG Guidelines, 2015. Collection method: clinical testing. Allele origin: germline.

Labcorp Genetics (formerly Invitae), Labcorp
Classification: Pathogenic. Last evaluated: 2023-09-27. Review status: criteria provided, single submitter. Criteria: Invitae Variant Classification Sherloc (09022015). Collection method: clinical testing. Allele origin: germline.
Comment: This sequence change creates a premature translational stop signal (p.Gln388Leufs*97) in the PLK4 gene. It is expected to result in an absent or disrupted protein product. Loss-of-function variants in PLK4 are known to be pathogenic (PMID: 25320347, 30842647). This variant is present in population databases (rs780106984, gnomAD 0.01%). This variant has not been reported in the literature in individuals affected with PLK4-related conditions. For these reasons, this variant has been classified as Pathogenic.

Literature cited by the submitters: PubMed 25320347 (cited by Labcorp Genetics (formerly Invitae), Labcorp); PubMed 30842647 (cited by Labcorp Genetics (formerly Invitae), Labcorp).